The following is an entry in ClinVar:

NM_024757.5(EHMT1):c.533C>G (p.Thr178Ser)

Gene: EHMT1 (euchromatic histone lysine methyltransferase 1; plus strand). Cytogenetic location: 9q34.3.
Variant type: single nucleotide variant.
Coding change: c.533C>G on transcript NM_024757.5 (MANE Select); coding-DNA position 533, C replaced by G.
Protein change: p.Thr178Ser; replaces threonine 178 with serine.
Molecular consequence: missense variant.
Genome position (GRCh38, 1-based): chr9:137,717,073, C>G. VCF-style: chr9-137717073-C-G. GRCh37 (hg19) VCF-style: chr9-140611525-C-G.
Other names: c.533C>G, p.Thr178Ser (NM_001145527.2, NM_001354263.2, NM_001354611.2); c.440C>G, p.Thr147Ser (NM_001354259.2, NM_001354612.2); short protein forms T178S, T147S.
Identifiers: ClinVar variation 963730 (VCV000963730.12), dbSNP rs777497639, ClinGen allele CA375765623.

ClinVar aggregate classification (germline): Uncertain significance. Review status: criteria provided, multiple submitters, no conflicts (2 of 4 stars). 2 submissions from 2 submitters: Uncertain significance (2). Last evaluated 2023-08-21.

Conditions:
Inborn genetic diseases. Identifiers: MedGen C0950123, MeSH D030342.
Kleefstra syndrome 1 (KLEFS1). Identifiers: Orphanet 261494, MedGen C0795833, MONDO:0027407, OMIM 610253.

Allele frequency attached by ClinVar (database versions not stated): gnomAD 0.00001; TOPMed 0.00001.
gnomAD v4.1: 2 of 1,610,612 alleles (0.00012%); highest among the groups gnomAD compares: Non-Finnish European, 0.00017%; no homozygotes.

Submissions (2):

Ambry Genetics
Classification: Uncertain significance for Inborn genetic diseases. Last evaluated: 2023-08-21. Review status: criteria provided, single submitter. Criteria: Ambry Variant Classification Scheme 2023. Collection method: clinical testing. Allele origin: germline.

Labcorp Genetics (formerly Invitae), Labcorp
Classification: Uncertain significance for Kleefstra syndrome 1. Last evaluated: 2019-11-12. Review status: criteria provided, single submitter. Criteria: Invitae Variant Classification Sherloc (09022015). Collection method: clinical testing. Allele origin: germline.
Comment: In summary, the available evidence is currently insufficient to determine the role of this variant in disease. Therefore, it has been classified as a Variant of Uncertain Significance. Algorithms developed to predict the effect of missense changes on protein structure and function (SIFT, PolyPhen-2, Align-GVGD) all suggest that this variant is likely to be tolerated, but these predictions have not been confirmed by published functional studies and their clinical significance is uncertain. This variant has not been reported in the literature in individuals with EHMT1-related conditions. This variant is not present in population databases (ExAC no frequency). This sequence change replaces threonine with serine at codon 178 of the EHMT1 protein (p.Thr178Ser). The threonine residue is weakly conserved and there is a small physicochemical difference between threonine and serine.